The following is an entry in ClinVar:

NM_001829.4(CLCN3):c.254A>G (p.Tyr85Cys)

Gene: CLCN3 (chloride voltage-gated channel 3; plus strand). Cytogenetic location: 4q33.
Variant type: single nucleotide variant.
Coding change: c.254A>G on transcript NM_001829.4 (MANE Select); coding-DNA position 254, A replaced by G.
Protein change: p.Tyr85Cys; replaces tyrosine 85 with cysteine.
Molecular consequence: missense variant.
Genome position (GRCh38, 1-based): chr4:169,680,143, A>G. VCF-style: chr4-169680143-A-G. GRCh37 (hg19) VCF-style: chr4-170601294-A-G.
Other names: c.254A>G, p.Tyr85Cys (NM_001243372.2, NM_173872.4); c.173A>G, p.Tyr58Cys (NM_001243374.2); short protein forms Y58C, Y85C.
Identifiers: ClinVar variation 1192286 (VCV001192286.2), dbSNP rs2150238934, ClinGen allele CA358735850.
Genomic context (GRCh38, chr4:169,680,143, plus strand): 5'-TTAACAGTTCTACACATTTACTGGATCTTTTGGATGAACCAATTCCAGGTGTTGGTACAT[A>G]TGATGATTTCCATACTATTGATTGGGTGCGAGAAAAATGTAAAGACAGAGAAAGGCATAG-3'
Protein context (NP_001820.2, residues 75-95): LDEPIPGVGT[Tyr85Cys]DDFHTIDWVR

ClinVar aggregate classification (germline): Likely pathogenic. Review status: criteria provided, single submitter (1 of 4 stars). 2 submissions from 2 submitters: Likely pathogenic (1). 1 of the submissions does not count toward it. Last evaluated 2022-03-15.

Conditions:
Neurodevelopmental disorder with hypotonia and brain abnormalities. Identifiers: MedGen C5561977, MONDO:0859187, OMIM 619512.
Neurodevelopmental delay. Identifiers: MedGen C4022738, HP:0012758.

Submissions (2):

SIB Swiss Institute of Bioinformatics
Classification: Likely pathogenic for Neurodevelopmental disorder with hypotonia and brain abnormalities. Last evaluated: 2022-03-15. Review status: criteria provided, single submitter. Criteria: ACMG Guidelines, 2015. Collection method: curation. Allele origin: unknown.
Comment: This variant is interpreted as likely pathogenic for Neurodevelopmental disorder with hypotonia and brain abnormalities, autosomal dominant. The following ACMG Tag(s) were applied: Absent from controls (or at extremely low frequency if recessive) in Exome Sequencing Project, 1000 Genomes Project, or Exome Aggregation Consortium (PM2); De novo, paternity and maternity confirmed (PS2 downgraded to moderate); Multiple lines of computational evidence support a deleterious effect on the gene or gene product (PP3); Missense variant in a gene that has a low rate of benign missense variation (PP2).

Gene Discovery Core-Manton Center, Boston Children's Hospital
Classification: Pathogenic for Neurodevelopmental delay. Review status: no assertion criteria provided. Collection method: clinical testing. Allele origin: de novo. Affected: yes. Observed: 1 variant allele. Not counted in ClinVar's aggregate classification.

Literature cited by the submitters: PubMed 34186028 (cited by SIB Swiss Institute of Bioinformatics).